The following is an entry in ClinVar:

ClinVar aggregate classification (germline): Uncertain significance. Review status: criteria provided, multiple submitters, no conflicts (2 of 4 stars). 2 submissions from 2 submitters: Uncertain significance (2). Last evaluated 2025-03-30.

Allele frequency attached by ClinVar (database versions not stated): gnomAD exomes 0.00001; TOPMed 0.00001; gnomAD 0.00002.
gnomAD v4.1: 16 of 1,613,988 alleles (0.00099%); highest among the groups gnomAD compares: East Asian, 0.0022%; no homozygotes.

Submissions (2):

Labcorp Genetics (formerly Invitae), Labcorp
Classification: Uncertain significance. Last evaluated: 2025-03-30. Review status: criteria provided, single submitter. Criteria: Invitae Variant Classification Sherloc (09022015). Collection method: clinical testing. Allele origin: germline.
Comment: This sequence change replaces arginine, which is basic and polar, with histidine, which is basic and polar, at codon 526 of the MTOR protein (p.Arg526His). This variant is present in population databases (no rsID available, gnomAD 0.005%). This variant has not been reported in the literature in individuals affected with MTOR-related conditions. ClinVar contains an entry for this variant (Variation ID: 846519). Invitae Evidence Modeling of protein sequence and biophysical properties (such as structural, functional, and spatial information, amino acid conservation, physicochemical variation, residue mobility, and thermodynamic stability) indicates that this missense variant is not expected to disrupt MTOR protein function with a negative predictive value of 95%. In summary, the available evidence is currently insufficient to determine the role of this variant in disease. Therefore, it has been classified as a Variant of Uncertain Significance.

CeGaT Center for Human Genetics Tuebingen
Classification: Uncertain significance. Last evaluated: 2022-09-01. Review status: criteria provided, single submitter. Criteria: CeGaT Center For Human Genetics Tuebingen Variant Classification Criteria Version 2. Collection method: clinical testing. Allele origin: germline. Affected: yes. Observed: 1 variant allele.
Comment: MTOR: PP2

NM_004958.4(MTOR):c.1577G>A (p.Arg526His)

Gene: MTOR (mechanistic target of rapamycin kinase; minus strand). Cytogenetic location: 1p36.22.
Variant type: single nucleotide variant.
Coding change: c.1577G>A on transcript NM_004958.4 (MANE Select); coding-DNA position 1577, G replaced by A.
Protein change: p.Arg526His; replaces arginine 526 with histidine.
Molecular consequence: missense variant.
Genome position (GRCh38, 1-based): chr1:11,240,512, C>T on the plus strand (G>A on the coding strand, the complement: MTOR is on the minus strand). VCF-style: chr1-11240512-C-T. GRCh37 (hg19) VCF-style: chr1-11300569-C-T.
Other names: short protein forms R526H.
Identifiers: ClinVar variation 846519 (VCV000846519.33), dbSNP rs1363405074, ClinGen allele CA338393409.